The following is an entry in ClinVar:

NM_001177949.2(SYCP3):c.666A>G (p.Gln222=)

Genes: CHPT1 (choline phosphotransferase 1; plus strand), SYCP3 (synaptonemal complex protein 3; minus strand). Cytogenetic location: 12q23.2.
Variant type: single nucleotide variant.
Coding change: c.666A>G on transcript NM_001177949.2 (MANE Select); coding-DNA position 666, A replaced by G.
Protein change: p.Gln222=; no amino-acid change (glutamine 222 retained).
Molecular consequence: synonymous variant. On other transcripts: 3 prime UTR variant (1).
Genome position (GRCh38, 1-based): chr12:101,728,972, T>C on the plus strand (A>G on the coding strand, the complement: SYCP3 is on the minus strand). VCF-style: chr12-101728972-T-C. GRCh37 (hg19) VCF-style: chr12-102122750-T-C.
Other names: c.666A>G, p.Gln222= (NM_001177948.2, NM_153694.5); c.*27T>C (NM_020244.3).
Identifiers: ClinVar variation 306762 (VCV000306762.8), dbSNP rs190337934, ClinGen allele CA6745805.

ClinVar aggregate classification (germline): Benign. Review status: criteria provided, multiple submitters, no conflicts (2 of 4 stars). 2 submissions from 2 submitters: Benign (2). Last evaluated 2018-09-10.

Conditions:
Spermatogenic failure 4. Also called: AZOOSPERMIA WITH MATURATION ARREST; PREGNANCY LOSS 4. Identifiers: MedGen C0232981, MONDO:0010052, OMIM 270960.

Allele frequency attached by ClinVar (database versions not stated): gnomAD 0.00043 and 0.00060; gnomAD exomes 0.00058 and 0.00125; TOPMed 0.00070; ExAC 0.00134; 1000 Genomes Project 30x 0.00234; 1000 Genomes Project 0.00260.
gnomAD v4.1: 927 of 1,612,074 alleles (0.058%); highest among the groups gnomAD compares: East Asian, 1.6%; 3 homozygotes.

Submissions (2):

Labcorp Genetics (formerly Invitae), Labcorp
Classification: Benign. Last evaluated: 2018-09-10. Review status: criteria provided, single submitter. Criteria: Invitae Variant Classification Sherloc (09022015). Collection method: clinical testing. Allele origin: germline.

Illumina Laboratory Services, Illumina
Classification: Benign for Spermatogenic failure 4. Last evaluated: 2018-01-13. Review status: criteria provided, single submitter. Criteria: ICSL Variant Classification Criteria 13 December 2019. Collection method: clinical testing. Allele origin: germline.
Comment: This variant was observed in the ICSL laboratory as part of a predisposition screen in an ostensibly healthy population. It had not been previously curated by ICSL or reported in the Human Gene Mutation Database (HGMD: prior to June 1st, 2018), and was therefore a candidate for classification through an automated scoring system. Utilizing variant allele frequency, disease prevalence and penetrance estimates, and inheritance mode, an automated score was calculated to assess if this variant is too frequent to cause the disease. Based on the score and internal cut-off values, a variant classified as benign is not then subjected to further curation. The score for this variant resulted in a classification of benign for this disease.